The following is an entry in ClinVar:

NM_000784.4(CYP27A1):c.674G>C (p.Arg225Pro)

Gene: CYP27A1 (cytochrome P450 family 27 subfamily A member 1; plus strand). Cytogenetic location: 2q35.
Variant type: single nucleotide variant.
Coding change: c.674G>C on transcript NM_000784.4 (MANE Select); coding-DNA position 674, G replaced by C.
Protein change: p.Arg225Pro; replaces arginine 225 with proline.
Molecular consequence: missense variant.
Genome position (GRCh38, 1-based): chr2:218,812,579, G>C. VCF-style: chr2-218812579-G-C. GRCh37 (hg19) VCF-style: chr2-219677302-G-C.
Other names: short protein forms R225P.
Identifiers: ClinVar variation 3499105 (VCV003499105.2).

ClinVar aggregate classification (germline): Uncertain significance. Review status: criteria provided, multiple submitters, no conflicts (2 of 4 stars). 2 submissions from 2 submitters: Uncertain significance (2). Last evaluated 2025-06-18.

Conditions:
Cardiovascular phenotype. Identifiers: MedGen CN230736.

Submissions (2):

Women's Health and Genetics/Laboratory Corporation of America, LabCorp
Classification: Uncertain significance. Last evaluated: 2025-06-18. Review status: criteria provided, single submitter. Criteria: LabCorp Variant Classification Summary - May 2015. Collection method: clinical testing. Allele origin: germline.
Comment: Variant summary: CYP27A1 c.674G>C (p.Arg225Pro) results in a non-conservative amino acid change in the encoded protein sequence. Algorithms developed to predict the effect of missense changes on protein structure and function all suggest that this variant is likely to be disruptive. The variant was absent in 251412 control chromosomes (gnomAD). The available data on variant occurrences in the general population are insufficient to allow any conclusion about variant significance. To our knowledge, no occurrence of c.674G>C in individuals affected with Cerebrotendinous Xanthomatosis and no experimental evidence demonstrating its impact on protein function have been reported. ClinVar contains an entry for this variant (Variation ID: 3499105). Based on the evidence outlined above, the variant was classified as uncertain significance.

Ambry Genetics
Classification: Uncertain significance for Cardiovascular phenotype. Last evaluated: 2024-07-29. Review status: criteria provided, single submitter. Criteria: Ambry Variant Classification Scheme 2023. Collection method: clinical testing. Allele origin: germline.
Comment: The p.R225P variant (also known as c.674G>C), located in coding exon 4 of the CYP27A1 gene, results from a G to C substitution at nucleotide position 674. The arginine at codon 225 is replaced by proline, an amino acid with dissimilar properties. This amino acid position is conserved. In addition, this alteration is predicted to be deleterious by in silico analysis. Based on the available evidence, the clinical significance of this variant remains unclear.